The following is an entry in ClinVar:

NM_001042492.3(NF1):c.3911del (p.Leu1304fs)

Gene: NF1 (neurofibromin 1; plus strand). Cytogenetic location: 17q11.2.
Variant type: Deletion.
Coding change: c.3911del on transcript NM_001042492.3 (MANE Select); coding-DNA position 3911, one base deleted (T; older notation c.3911delT).
Protein change: p.Leu1304fs; shifts the reading frame from leucine 1304.
Molecular consequence: frameshift variant.
Genome position (GRCh38, 1-based): chr17:31,235,958, T deleted; the last of 3 consecutive T bases (chr17:31,235,956-31,235,958); deleting any one gives the same sequence. VCF-style (leftmost placement, unchanged base first): chr17-31235955-CT-C. GRCh37 (hg19) VCF-style: chr17-29562973-CT-C.
Other names: c.3911delT (NM_000267.3); c.3911delT, p.Leu1304Tyrfs (NM_000267.4); short protein forms L1304fs.
Identifiers: ClinVar variation 547639 (VCV000547639.7), dbSNP rs1555615549, ClinGen allele CA658824762.

ClinVar aggregate classification (germline): Pathogenic. Review status: criteria provided, multiple submitters, no conflicts (2 of 4 stars). 3 submissions from 3 submitters: Pathogenic (3). Last evaluated 2022-03-15.

Conditions:
Neurofibromatosis, type 1 (NF1). Also called: NEUROFIBROMATOSIS, TYPE I, SOMATIC; VON RECKLINGHAUSEN DISEASE; Peripheral type neurofibromatosis; Neurofibromatosis, type I. Identifiers: Orphanet 636, MedGen C0027831, MONDO:0018975, OMIM 162200. Disease mechanism: loss of function.

Submissions (3):

Genome-Nilou Lab
Classification: Pathogenic for Neurofibromatosis, type 1. Last evaluated: 2022-03-15. Review status: criteria provided, single submitter. Criteria: ACMG Guidelines, 2015. Collection method: clinical testing. Allele origin: germline. Affected: no.

Labcorp Genetics (formerly Invitae), Labcorp
Classification: Pathogenic for Neurofibromatosis, type 1. Last evaluated: 2021-10-09. Review status: criteria provided, single submitter. Criteria: Invitae Variant Classification Sherloc (09022015). Collection method: clinical testing. Allele origin: germline.
Comment: For these reasons, this variant has been classified as Pathogenic. ClinVar contains an entry for this variant (Variation ID: 547639). This premature translational stop signal has been observed in individual(s) with neurofibromatosis type 1 (PMID: 10712197). This variant is not present in population databases (ExAC no frequency). This sequence change creates a premature translational stop signal (p.Leu1304Tyrfs*5) in the NF1 gene. It is expected to result in an absent or disrupted protein product. Loss-of-function variants in NF1 are known to be pathogenic (PMID: 10712197, 23913538).

Center for Human Genetics, Inc
Classification: Pathogenic for Neurofibromatosis, type 1. Last evaluated: 2016-11-01. Review status: criteria provided, single submitter. Criteria: ACMG Guidelines, 2015. Collection method: clinical testing. Allele origin: germline. Affected: yes.

Literature cited by the submitters: PubMed 10712197 (cited by Labcorp Genetics (formerly Invitae), Labcorp); PubMed 23913538 (cited by Labcorp Genetics (formerly Invitae), Labcorp).